The following is an entry in ClinVar:

NM_005609.4(PYGM):c.2262del (p.Lys754fs)

Gene: PYGM (glycogen phosphorylase, muscle associated; minus strand). Cytogenetic location: 11q13.1.
Variant type: Deletion.
Coding change: c.2262del on transcript NM_005609.4 (MANE Select); coding-DNA position 2262, one base deleted (A; older notation c.2262delA).
Protein change: p.Lys754fs; shifts the reading frame from lysine 754.
Molecular consequence: frameshift variant.
Genome position (GRCh38, 1-based): chr11:64,747,274, T deleted on the plus strand (A on the coding strand, the reverse complement: PYGM is on the minus strand); the first of 3 consecutive T bases (chr11:64,747,274-64,747,276); deleting any one gives the same sequence. VCF-style (leftmost placement, unchanged base first): chr11-64747273-GT-G. GRCh37 (hg19) VCF-style: chr11-64514745-GT-G.
Other names: p.Lys754Asnfs*49; c.2262delA (NM_005609.3, NM_005609.2, NM_005609.4); c.1998del, p.Lys666fs (NM_001164716.1); short protein forms K754fs, K666fs.
Identifiers: ClinVar variation 95296 (VCV000095296.82), dbSNP rs398124210, ClinGen allele CA222888.

ClinVar aggregate classification (germline): Conflicting classifications of pathogenicity. Review status: criteria provided, conflicting classifications (1 of 4 stars). 19 submissions from 19 submitters: Pathogenic (14); Likely pathogenic (1); Benign (1). 3 of the submissions do not count toward it. Last evaluated 2026-01-19.

Conditions:
PYGM-related disorder. Also called: PYGM-related condition.
Glycogen storage disease, type V (GSD5). Also called: MCARDLE DISEASE; MUSCLE GLYCOGEN PHOSPHORYLASE DEFICIENCY; MYOPHOSPHORYLASE DEFICIENCY; PYGM DEFICIENCY; McArdle type glycogen storage disease. Identifiers: Orphanet 368, MedGen C0017924, MONDO:0009293, OMIM 232600.
Tip-toe gait. Also called: Toe walking. Identifiers: MedGen C0427144, HP:0030051.

Submissions 1 to 13 of 19:

Labcorp Genetics (formerly Invitae), Labcorp
Classification: Pathogenic for Glycogen storage disease, type V. Last evaluated: 2026-01-19. Review status: criteria provided, single submitter. Criteria: Invitae Variant Classification Sherloc (09022015). Collection method: clinical testing. Allele origin: germline.
Comment: This sequence change creates a premature translational stop signal (p.Lys754Asnfs*49) in the PYGM gene. While this is not anticipated to result in nonsense mediated decay, it is expected to disrupt the last 89 amino acid(s) of the PYGM protein. This variant is present in population databases (rs398124210, gnomAD 0.03%). This premature translational stop signal has been observed in individuals with McArdle disease (PMID: 9633816, 17324573, 22250184). It has also been observed to segregate with disease in related individuals. ClinVar contains an entry for this variant (Variation ID: 95296). For these reasons, this variant has been classified as Pathogenic.

Mayo Clinic Laboratories, Mayo Clinic
Classification: Pathogenic. Last evaluated: 2025-11-11. Review status: criteria provided, single submitter. Criteria: ACMG Guidelines, 2015. Collection method: clinical testing. Allele origin: germline. Observed: 2 variant alleles.
Comment: PM2_supporting, PM3, PVS1

Variantyx, Inc.
Classification: Pathogenic for Glycogen storage disease, type V. Last evaluated: 2025-10-29. Review status: criteria provided, single submitter. Criteria: Variantyx Assertion Criteria 2022. Collection method: clinical testing. Allele origin: germline. Inheritance: Autosomal recessive inheritance.
Comment: This is a frameshift variant in the PYGM gene (OMIM: 608455). Pathogenic variants in this gene have been associated with autosomal recessive McArdle disease. This variant introduces a premature termination codon in exon 18 out of 20 and is expected to result in loss of function, which is a known disease mechanism for PYGM in this disorder (PMID: 20301518) (PVS1). It has been identified in the homozygous or compound heterozygous state in multiple individuals reported in the published literature (PMID: 17324573, 22250184) (PM3_Strong) and has a 0.0296% maximum allele frequency in non-founder control populations (PM2). Based on the current evidence, this variant is classified as pathogenic for autosomal recessive McArdle disease.No other variant of clinical significance was identified in the PYGM gene.

Natera, Inc.
Classification: Pathogenic for Glycogen storage disease V. Last evaluated: 2025-09-04. Review status: criteria provided, single submitter. Criteria: Natera Variant Classification Schema (03/2026). Collection method: clinical testing. Allele origin: germline.
Comment: The c.2262delA variant in PYGM is a frameshift variant predicted to shift the reading frame beginning at codon 754 and leads to a stop codon 49 codons downstream. This variant is expected to result in nonsense mediated decay, truncation, or a dysfunctional protein product. This variant is rare in the general population with a frequency below the threshold expected for the associated phenotype(s). This variant has been observed in one or more individuals affected with the associated recessive disease, as either homozygous or compound heterozygous with a second variant (PMID: 36455789). Given the available evidence, this variant is classified as Pathogenic.

CeGaT Center for Human Genetics Tuebingen
Classification: Pathogenic. Last evaluated: 2025-08-01. Review status: criteria provided, single submitter. Criteria: CeGaT Center For Human Genetics Tuebingen Variant Classification Criteria Version 2. Collection method: clinical testing. Allele origin: germline. Affected: yes. Observed: 3 variant alleles.
Comment: PYGM: PM3:Very Strong, PVS1:Strong, PM2

Practice for Gait Abnormalities, David Pomarino, Competency Network Toe Walking C/o Practice Pomarino
Classification: Benign for Tip-toe gait. Last evaluated: 2024-09-19. Review status: criteria provided, single submitter. Criteria: Pomarino et al. (J Musculoskelet Neuronal Interact. 2026). Collection method: clinical testing. Allele origin: germline. Affected: yes.

Fulgent Genetics
Classification: Pathogenic for Glycogen storage disease, type V. Last evaluated: 2024-05-22. Review status: criteria provided, single submitter. Criteria: ACMG Guidelines, 2015. Collection method: clinical testing. Allele origin: germline.

Baylor Genetics
Classification: Pathogenic for Glycogen storage disease, type V. Last evaluated: 2024-02-23. Review status: criteria provided, single submitter. Criteria: ACMG Guidelines, 2015. Collection method: clinical testing. Allele origin: unknown.

Women's Health and Genetics/Laboratory Corporation of America, LabCorp
Classification: Pathogenic for Glycogen storage disease, type V. Last evaluated: 2023-12-12. Review status: criteria provided, single submitter. Criteria: LabCorp Variant Classification Summary - May 2015. Collection method: clinical testing. Allele origin: germline.
Comment: Variant summary: PYGM c.2262delA (p.Lys754AsnfsX49) results in a premature termination codon, predicted to cause a truncation of the encoded protein or absence of the protein due to nonsense mediated decay, which are commonly known mechanisms for disease. The variant allele was found at a frequency of 0.00012 in 251484 control chromosomes. This frequency is not significantly higher than estimated for a pathogenic variant in PYGM causing Glycogen Storage Disease, Type V (0.00012 vs 0.0035), allowing no conclusion about variant significance. c.2262delA has been reported in the literature in individuals affected with Glycogen Storage Disease, Type V (e.g. Aquaron_2007). These data indicate that the variant may be associated with disease. To our knowledge, no experimental evidence demonstrating an impact on protein function has been reported. The following publication have been ascertained in the context of this evaluation (PMID: 17324573). 11 submitters have cited clinical-significance assessments for this variant to ClinVar after 2014. All submitters classified the variant as pathogenic/likely pathogenic. Based on the evidence outlined above, the variant was classified as pathogenic.

GeneDx
Classification: Pathogenic. Last evaluated: 2023-09-21. Review status: criteria provided, single submitter. Criteria: GeneDx Variant Classification Process June 2021. Collection method: clinical testing. Allele origin: germline. Affected: yes.
Comment: Frameshift variant predicted to result in protein truncation, as the last 89 amino acids are replaced with 48 different amino acids, and other loss-of-function variants have been reported downstream in HGMD; This variant is associated with the following publications: (PMID: 14748827, 21802952, 11168025, 17994553, 17915571, 17324573, 22832773, 25740218, 16786513, 17221871, 9633816, 25240406, 17404776, 28967462, 29143597, 9506549, 29926259, 29749052, 29350794, 30011114, 22250184, 31517061, 31019026, 31589614, 31319225, 34426522, 34534370, 33072517, 35465342)

Blueprint Genetics
Classification: Pathogenic for PYGM-related disorders. Last evaluated: 2022-07-07. Review status: criteria provided, single submitter. Criteria: ACMG Guidelines, 2015. Collection method: clinical testing. Allele origin: germline. Affected: yes. Observed: 5 variant alleles.

Revvity Omics, Revvity
Classification: Pathogenic for Glycogen storage disease, type V. Last evaluated: 2021-08-18. Review status: criteria provided, single submitter. Criteria: ACMG Guidelines, 2015. Collection method: clinical testing. Allele origin: germline.

Illumina Laboratory Services, Illumina
Classification: Likely pathogenic for Glycogen storage disease, type V. Last evaluated: 2018-10-25. Review status: criteria provided, single submitter. Criteria: ICSL Variant Classification Criteria 09 May 2019. Collection method: clinical testing. Allele origin: germline.
Comment: The PYGM c.2262delA (p.Lys754AsnfsTer49) variant results in a frameshift, and is predicted to result in premature termination of the protein. The p.Lys754AsnfsTer49 variant has been reported in at least eleven studies in which it is found in a total of 35 individuals including in 22 in a compound heterozygous state, eight in a heterozygous state and five in a homozygous state (Kubisch et al. 1998; Bruno et al. 2006; Aquaron et al. 2007; Rubio et al. 2007; Rubio et al. 2007; Deschauer et al. 2007; Nogales-Gadea et al. 2008; GarcÃ­a-BenÃ­tez et al. 2013; de Luna et al. 2014; Hogrel et al. 2015; Inal-GÃ¼ltekin et al. 2017). At least 12 of the compound heterozygotes carried the same stop-gained variant on the second allele (p.Arg50Ter). This genotype was shown to result in null myophosphorylase activity (GarcÃ­a-BenÃ­tez et al. 2013; de Luna et al. 2014). Control data are unavailable for this variant, which is reported at a frequency of 0.00691 in the European American population of the Exome Sequencing Project. Although this allele frequency appears high based on disease prevalence, the symptoms of glycogen storage disease type V are typically mild, and some probands may be asymptomatic, suggesting that the disorder may be underdiagnosed. Based on the evidence from the literature, the p.Lys754AsnfsTer49 variant is classified as pathogenic for glycogen storage disease type V. This variant was observed by ICSL as part of a predisposition screen in an ostensibly healthy population.